The following is an entry in ClinVar:

NM_198578.4(LRRK2):c.975A>T (p.Leu325Phe)

Gene: LRRK2 (leucine rich repeat kinase 2; plus strand). Cytogenetic location: 12q12.
Variant type: single nucleotide variant.
Coding change: c.975A>T on transcript NM_198578.4 (MANE Select); coding-DNA position 975, A replaced by T.
Protein change: p.Leu325Phe; replaces leucine 325 with phenylalanine.
Molecular consequence: missense variant.
Genome position (GRCh38, 1-based): chr12:40,251,248, A>T. VCF-style: chr12-40251248-A-T. GRCh37 (hg19) VCF-style: chr12-40645050-A-T.
Other names: short protein forms L325F.
Identifiers: ClinVar variation 1768093 (VCV001768093.2), dbSNP rs2499502426, ClinGen allele CA384407715.
Genomic context (GRCh38, chr12:40,251,248, plus strand): 5'-ATAATATATATAATGTTTTTATATATTTTTCAATTTTTTTCAAGCTGAGACTATTTTCTT[A>T]AATCAAGATTTAGAGGAAAAGAATGAGAATCAAGAGAATGATGATGAGGGGGAAGAAGAT-3'
Protein context (NP_940980.4, residues 315-335): CLALLTETIF[Leu325Phe]NQDLEEKNEN

ClinVar aggregate classification (germline): Uncertain significance (1 of 4 stars; one submission).

Conditions:
Inborn genetic diseases. Identifiers: MedGen C0950123, MeSH D030342.

Submission:

Ambry Genetics
Classification: Uncertain significance for Inborn genetic diseases. Last evaluated: 2021-12-23. Review status: criteria provided, single submitter. Criteria: Ambry Variant Classification Scheme 2023. Collection method: clinical testing. Allele origin: germline.
Comment: The p.L325F variant (also known as c.975A>T), located in coding exon 9 of the LRRK2 gene, results from an A to T substitution at nucleotide position 975. The leucine at codon 325 is replaced by phenylalanine, an amino acid with highly similar properties. This amino acid position is conserved. In addition, this alteration is predicted to be tolerated by in silico analysis. Since supporting evidence is limited at this time, the clinical significance of this alteration remains unclear.